The following is an entry in ClinVar:

ClinVar aggregate classification (germline): Uncertain significance. Review status: criteria provided, multiple submitters, no conflicts (2 of 4 stars). 2 submissions from 2 submitters: Uncertain significance (2). Last evaluated 2024-06-30.

Conditions:
Hereditary cancer-predisposing syndrome. Also called: Hereditary neoplastic syndrome; Neoplastic Syndromes, Hereditary; Tumor predisposition; Hereditary Cancer Syndrome. Identifiers: Orphanet 140162, MedGen C0027672, MeSH D009386, MONDO:0015356.
Multiple endocrine neoplasia, type 1 (MEN1). Also called: Endocrine adenomatosis multiple; MEN 1; MEN I; WERMER SYNDROME; MEA I. Identifiers: Orphanet 652, MedGen C0025267, MeSH D018761, MONDO:0007540, OMIM 131100.

Allele frequency attached by ClinVar (database versions not stated): gnomAD exomes below 0.00001.
gnomAD v4.1: 2 of 1,608,624 alleles (0.00012%); highest among the groups gnomAD compares: Non-Finnish European, 0.00017%; no homozygotes.

Submissions (2):

Ambry Genetics
Classification: Uncertain significance for Hereditary cancer-predisposing syndrome. Last evaluated: 2024-06-30. Review status: criteria provided, single submitter. Criteria: Ambry Variant Classification Scheme 2023. Collection method: clinical testing. Allele origin: germline.
Comment: The p.R29G variant (also known as c.85C>G), located in coding exon 1 of the MEN1 gene, results from a C to G substitution at nucleotide position 85. The arginine at codon 29 is replaced by glycine, an amino acid with dissimilar properties. This amino acid position is well conserved in available vertebrate species. In addition, the in silico prediction for this alteration is inconclusive. Since supporting evidence is limited at this time, the clinical significance of this alteration remains unclear.

Labcorp Genetics (formerly Invitae), Labcorp
Classification: Uncertain significance for Multiple endocrine neoplasia, type 1. Last evaluated: 2024-04-14. Review status: criteria provided, single submitter. Criteria: Invitae Variant Classification Sherloc (09022015). Collection method: clinical testing. Allele origin: germline.
Comment: This sequence change replaces arginine, which is basic and polar, with glycine, which is neutral and non-polar, at codon 29 of the MEN1 protein (p.Arg29Gly). This variant is present in population databases (no rsID available, gnomAD 0.001%). This variant has not been reported in the literature in individuals affected with MEN1-related conditions. ClinVar contains an entry for this variant (Variation ID: 1006569). Advanced modeling of protein sequence and biophysical properties (such as structural, functional, and spatial information, amino acid conservation, physicochemical variation, residue mobility, and thermodynamic stability) has been performed at Invitae for this missense variant, however the output from this modeling did not meet the statistical confidence thresholds required to predict the impact of this variant on MEN1 protein function. In summary, the available evidence is currently insufficient to determine the role of this variant in disease. Therefore, it has been classified as a Variant of Uncertain Significance.

NM_001370259.2(MEN1):c.85C>G (p.Arg29Gly)

Gene: MEN1 (menin 1; minus strand). Cytogenetic location: 11q13.1.
Variant type: single nucleotide variant.
Coding change: c.85C>G on transcript NM_001370259.2 (MANE Select); coding-DNA position 85, C replaced by G.
Protein change: p.Arg29Gly; replaces arginine 29 with glycine.
Molecular consequence: missense variant.
Genome position (GRCh38, 1-based): chr11:64,810,025, G>C on the plus strand (C>G on the coding strand, the complement: MEN1 is on the minus strand). VCF-style: chr11-64810025-G-C. GRCh37 (hg19) VCF-style: chr11-64577497-G-C.
Other names: c.85C>G, p.Arg29Gly (NM_000244.4, NM_001370251.2, NM_001370260.2 and 9 more transcripts); short protein forms R29G.
Identifiers: ClinVar variation 1006569 (VCV001006569.12), dbSNP rs794728615, ClinGen allele CA381188027.